The following is an entry in ClinVar:

NM_004281.4(BAG3):c.467C>A (p.Ala156Glu)

Gene: BAG3 (BAG cochaperone 3; plus strand). Cytogenetic location: 10q26.11.
Variant type: single nucleotide variant.
Coding change: c.467C>A on transcript NM_004281.4 (MANE Select); coding-DNA position 467, C replaced by A.
Protein change: p.Ala156Glu; replaces alanine 156 with glutamic acid.
Molecular consequence: missense variant.
Genome position (GRCh38, 1-based): chr10:119,670,137, C>A. VCF-style: chr10-119670137-C-A. GRCh37 (hg19) VCF-style: chr10-121429649-C-A.
Other names: short protein forms A156E.
Identifiers: ClinVar variation 1353582 (VCV001353582.3), dbSNP rs572038196, ClinGen allele CA378295152.

ClinVar aggregate classification (germline): Uncertain significance (1 of 4 stars; one submission).

Conditions:
Dilated cardiomyopathy 1HH (CMD1HH). Identifiers: Orphanet 154, MedGen C3151293, MONDO:0013479, OMIM 613881.
Myofibrillar myopathy 6. Identifiers: Orphanet 199340, MedGen C2751831, MONDO:0013061, OMIM 612954.

Submission:

Labcorp Genetics (formerly Invitae), Labcorp
Classification: Uncertain significance for Dilated cardiomyopathy 1HH; Myofibrillar myopathy 6. Last evaluated: 2022-09-21. Review status: criteria provided, single submitter. Criteria: Invitae Variant Classification Sherloc (09022015). Collection method: clinical testing. Allele origin: germline.
Comment: This sequence change replaces alanine, which is neutral and non-polar, with glutamic acid, which is acidic and polar, at codon 156 of the BAG3 protein (p.Ala156Glu). This variant is not present in population databases (gnomAD no frequency). This variant has not been reported in the literature in individuals affected with BAG3-related conditions. Advanced modeling of protein sequence and biophysical properties (such as structural, functional, and spatial information, amino acid conservation, physicochemical variation, residue mobility, and thermodynamic stability) performed at Invitae indicates that this missense variant is not expected to disrupt BAG3 protein function. In summary, the available evidence is currently insufficient to determine the role of this variant in disease. Therefore, it has been classified as a Variant of Uncertain Significance.